The following is an entry in ClinVar:

NM_000540.3(RYR1):c.9709GAG[1] (p.Glu3238del)

Gene: RYR1 (ryanodine receptor 1; plus strand). Cytogenetic location: 19q13.2.
Variant type: Microsatellite.
Coding change: c.9709GAG[1] on transcript NM_000540.3 (MANE Select); one copy of the 3-base unit GAG starting at c.9709; the reference has two copies in a row; one copy, 3 bases deleted; also written c.9712_9714del.
Protein change: p.Glu3238del; deletes glutamic acid 3238.
Molecular consequence: inframe deletion.
Genome position (GRCh38, 1-based): chr19:38,517,385-38,517,387, GAG deleted; deleting any 3 consecutive bases within chr19:38,517,381-38,517,387 gives the same sequence; the position shown is the placement nearest the transcript's 3' end. VCF-style (leftmost placement, unchanged base first): chr19-38517380-TGGA-T. GRCh37 (hg19) VCF-style: chr19-39008020-TGGA-T.
Other names: c.9712_9714delGAG (NM_000540.2); c.9709GAG[1], p.Glu3238del (NM_001042723.2); c.9712_9714del (NM_000540.3); short protein forms E3238del.
Identifiers: ClinVar variation 544432 (VCV000544432.10), dbSNP rs780480139, ClinGen allele CA074071.
Genomic context (GRCh38, chr19:38,517,380, plus strand): 5'-GATGGCTTGACATTCCCTGCCCCCGTCCCTGTACCCCAGTCCTGGGGCTCCCCAACAGTG[TGGA>T]GGAGATGTGTCCCGACATCCCGGTGCTGGAGCGGCTCATGGCAGACATTGGGGGGCTGGC-3'

ClinVar aggregate classification (germline): Uncertain significance. Review status: criteria provided, multiple submitters, no conflicts (2 of 4 stars). 3 submissions from 3 submitters: Uncertain significance (3). Last evaluated 2024-07-10.

Conditions:
Malignant hyperthermia, susceptibility to, 1 (MHS1). Also called: RYR1-Related Malignant Hyperthermia Susceptibility; Anesthesia related hyperthermia; Malignant hyperpyrexia; Fulminating hyperpyrexia; Pharmacogenic myopathy; Malignant hyperthermia suceptibility 1. Identifiers: Orphanet 423, MedGen C2930980, MONDO:0007783, OMIM 145600.
RYR1-related disorder. Also called: RYR1-related condition; RYR1-related disorders. Identifiers: MedGen CN239331.

Submissions (3):

All of Us Research Program, National Institutes of Health
Classification: Uncertain significance for Malignant hyperthermia, susceptibility to, 1. Last evaluated: 2024-07-10. Review status: criteria provided, single submitter. Criteria: ACMG Guidelines, 2015. Collection method: clinical testing. Allele origin: germline. Inheritance: Autosomal dominant inheritance. Observed: 1 variant allele, 1 heterozygote.
Comment: This variant causes an in-frame deletion of 1 amino acid in the RYR1 protein. To our knowledge, functional studies have not been reported for this variant. This variant has not been reported in individuals affected with RYR1-related disorders in the literature. This variant has been identified in 2/279722 chromosomes in the general population by the Genome Aggregation Database (gnomAD). The available evidence is insufficient to determine the role of this variant in disease conclusively. Therefore, this variant is classified as a Variant of Uncertain Significance.

This study involves interpretation of variants in research participants for the purpose of population health screening. Participant phenotype was not available at the time of variant classification. Additional details can be found in publication PMID: 35346344, PMCID: PMC8962531

Color Diagnostics, LLC DBA Color Health
Classification: Uncertain significance for Malignant hyperthermia, susceptibility to, 1. Last evaluated: 2024-04-09. Review status: criteria provided, single submitter. Criteria: ACMG Guidelines, 2015. Collection method: clinical testing. Allele origin: germline.
Comment: This variant causes an in-frame deletion of 1 amino acid in the RYR1 protein. To our knowledge, functional studies have not been reported for this variant. This variant has not been reported in individuals affected with RYR1-related disorders in the literature. This variant has been identified in 2/279722 chromosomes in the general population by the Genome Aggregation Database (gnomAD). The available evidence is insufficient to determine the role of this variant in disease conclusively. Therefore, this variant is classified as a Variant of Uncertain Significance.

Labcorp Genetics (formerly Invitae), Labcorp
Classification: Uncertain significance for RYR1-related disorder. Last evaluated: 2023-06-06. Review status: criteria provided, single submitter. Criteria: Invitae Variant Classification Sherloc (09022015). Collection method: clinical testing. Allele origin: germline.
Comment: This variant is present in population databases (rs780480139, gnomAD 0.004%). In summary, the available evidence is currently insufficient to determine the role of this variant in disease. Therefore, it has been classified as a Variant of Uncertain Significance. ClinVar contains an entry for this variant (Variation ID: 544432). This variant has been observed in individual(s) with clinical features of autosomal recessive RYR1-related conditions (Invitae). In at least one individual the data is consistent with being in trans (on the opposite chromosome) from a pathogenic variant. This variant, c.9712_9714del, results in the deletion of 1 amino acid(s) of the RYR1 protein (p.Glu3238del), but otherwise preserves the integrity of the reading frame.